The following is an entry in ClinVar:

ClinVar aggregate classification (germline): Benign (0 of 4 stars; one submission).

Conditions:
NTN1-related disorder. Also called: NTN1-related condition.

Allele frequency attached by ClinVar (database versions not stated): gnomAD exomes 0.00037; ExAC 0.00089; ESP Exome Variant Server 0.00266; gnomAD 0.00324; TOPMed 0.00355; 1000 Genomes Project 0.00439; 1000 Genomes Project 30x 0.00453.
gnomAD v4.1: 1,063 of 1,544,006 alleles (0.069%); highest among the groups gnomAD compares: African/African-American, 1.2%; 15 homozygotes.

Submission:

PreventionGenetics, part of Exact Sciences
Classification: Benign for NTN1-related condition. Last evaluated: 2024-03-08. Review status: no assertion criteria provided. Collection method: clinical testing. Allele origin: germline.
Comment: This variant is classified as benign based on ACMG/AMP sequence variant interpretation guidelines (Richards et al. 2015 PMID: 25741868, with internal and published modifications).

NM_004822.3(NTN1):c.933C>T (p.Ala311=)

Gene: NTN1 (netrin 1; plus strand). Cytogenetic location: 17p13.1.
Variant type: single nucleotide variant.
Coding change: c.933C>T on transcript NM_004822.3 (MANE Select); coding-DNA position 933, C replaced by T.
Protein change: p.Ala311=; no amino-acid change (alanine 311 retained).
Molecular consequence: synonymous variant.
Genome position (GRCh38, 1-based): chr17:9,023,306, C>T. VCF-style: chr17-9023306-C-T. GRCh37 (hg19) VCF-style: chr17-8926623-C-T.
Identifiers: ClinVar variation 3037488 (VCV003037488.2), dbSNP rs113016880, ClinGen allele CA8381058.